The following is an entry in ClinVar:

ClinVar aggregate classification (germline): Uncertain significance. Review status: criteria provided, multiple submitters, no conflicts (2 of 4 stars). 3 submissions from 3 submitters: Uncertain significance (3). Last evaluated 2026-08-18.

Conditions:
Inborn genetic diseases. Identifiers: MedGen C0950123, MeSH D030342.
Bethlem myopathy 1A. Also called: Bethlem Muscular Dystrophy; Bethlem myopathy 1; MYOPATHY, BENIGN CONGENITAL, WITH CONTRACTURES. Identifiers: Orphanet 610, MedGen CN029274, MONDO:0024530, OMIM 158810.

Allele frequency attached by ClinVar (database versions not stated): TOPMed 0.00003.
gnomAD v4.1: 5 of 1,572,680 alleles (0.00032%); highest among the groups gnomAD compares: African/African-American, 0.0041%; no homozygotes.

Submissions (3):

Ambry Genetics
Classification: Uncertain significance for Inborn genetic diseases. Last evaluated: 2026-08-18. Review status: criteria provided, single submitter. Criteria: Ambry Variant Classification Scheme 2023. Collection method: clinical testing. Allele origin: germline.

Labcorp Genetics (formerly Invitae), Labcorp
Classification: Uncertain significance for Bethlem myopathy 1A. Last evaluated: 2025-04-21. Review status: criteria provided, single submitter. Criteria: Invitae Variant Classification Sherloc (09022015). Collection method: clinical testing. Allele origin: germline.
Comment: This sequence change replaces serine, which is neutral and polar, with asparagine, which is neutral and polar, at codon 895 of the COL6A2 protein (p.Ser895Asn). This variant is not present in population databases (gnomAD no frequency). This variant has not been reported in the literature in individuals affected with COL6A2-related conditions. ClinVar contains an entry for this variant (Variation ID: 1374828). Invitae Evidence Modeling of protein sequence and biophysical properties (such as structural, functional, and spatial information, amino acid conservation, physicochemical variation, residue mobility, and thermodynamic stability) indicates that this missense variant is not expected to disrupt COL6A2 protein function with a negative predictive value of 80%. In summary, the available evidence is currently insufficient to determine the role of this variant in disease. Therefore, it has been classified as a Variant of Uncertain Significance.

Revvity Omics, Revvity
Classification: Uncertain significance. Last evaluated: 2019-05-16. Review status: criteria provided, single submitter. Criteria: ACMG Guidelines, 2015. Collection method: clinical testing. Allele origin: germline.

NM_001849.4(COL6A2):c.2684G>A (p.Ser895Asn)

Gene: COL6A2 (collagen type VI alpha 2 chain; plus strand). Cytogenetic location: 21q22.3.
Variant type: single nucleotide variant.
Coding change: c.2684G>A on transcript NM_001849.4 (MANE Select); coding-DNA position 2684, G replaced by A.
Protein change: p.Ser895Asn; replaces serine 895 with asparagine.
Molecular consequence: missense variant.
Genome position (GRCh38, 1-based): chr21:46,132,176, G>A. VCF-style: chr21-46132176-G-A. GRCh37 (hg19) VCF-style: chr21-47552090-G-A.
Other names: c.2684G>A (NM_001849.3); short protein forms S895N.
Identifiers: ClinVar variation 1374828 (VCV001374828.11), dbSNP rs112139050, ClinGen allele CA10072977.